The following is an entry in ClinVar:

NM_001148.6(ANK2):c.5609C>T (p.Ser1870Leu)

Genes: ANK2 (ankyrin 2; plus strand), LOC126807136 (MED14-independent group 3 enhancer GRCh37_chr4:114274931-114276130; plus strand). Cytogenetic location: 4q26.
Variant type: single nucleotide variant.
Coding change: c.5609C>T on transcript NM_001148.6 (MANE Select); coding-DNA position 5609, C replaced by T.
Protein change: p.Ser1870Leu; replaces serine 1870 with leucine.
Molecular consequence: missense variant. On other transcripts: intron variant (68).
Genome position (GRCh38, 1-based): chr4:113,354,227, C>T. VCF-style: chr4-113354227-C-T. GRCh37 (hg19) VCF-style: chr4-114275383-C-T.
Other names: c.5375C>T, p.Ser1792Leu (NM_001386142.1); c.2009C>T, p.Ser670Leu (NM_001386166.1); c.5750C>T, p.Ser1917Leu (NM_001386174.1); c.5726C>T, p.Ser1909Leu (NM_001386175.1); c.4411+3978C>T (NM_001386186.2, NM_001386148.2); c.4213+3978C>T (NM_001354269.3); c.4291+3978C>T (NM_001386187.2); c.4252+3978C>T (NM_001386147.1); and 35 more; short protein forms S1870L, S1792L, S1909L, S1917L, S670L.
Identifiers: ClinVar variation 222499 (VCV000222499.11), dbSNP rs869025360, ClinGen allele CA353985.

ClinVar aggregate classification (germline): Conflicting classifications of pathogenicity. Review status: criteria provided, conflicting classifications (1 of 4 stars). 3 submissions from 3 submitters: Uncertain significance (2); Likely benign (1). Last evaluated 2025-08-19.

Conditions:
Cardiovascular phenotype. Identifiers: MedGen CN230736.
Long QT syndrome (LQTS). Identifiers: MedGen C0023976, MeSH D008133, MONDO:0002442. Disease mechanism: loss of function. Inheritance: Various modes of inheritance.
Cardiac arrhythmia, ankyrin-B-related. Also called: ANKYRIN-B SYNDROME. Identifiers: Orphanet 101016, Orphanet 768, MedGen C1970119, MONDO:0010958, OMIM 600919.

Allele frequency attached by ClinVar (database versions not stated): gnomAD exomes 0.00002.
gnomAD v4.1: 31 of 1,614,060 alleles (0.0019%); highest among the groups gnomAD compares: Non-Finnish European, 0.0025%; no homozygotes.

Submissions (3):

Ambry Genetics
Classification: Likely benign for Cardiovascular phenotype. Last evaluated: 2025-08-19. Review status: criteria provided, single submitter. Criteria: Ambry Variant Classification Scheme 2023. Collection method: clinical testing. Allele origin: germline.

Labcorp Genetics (formerly Invitae), Labcorp
Classification: Uncertain significance for Long QT syndrome. Last evaluated: 2021-01-16. Review status: criteria provided, single submitter. Criteria: Invitae Variant Classification Sherloc (09022015). Collection method: clinical testing. Allele origin: germline.
Comment: Algorithms developed to predict the effect of missense changes on protein structure and function output the following: SIFT: "Tolerated"; PolyPhen-2: "Benign"; Align-GVGD: "Class C0". The leucine amino acid residue is found in multiple mammalian species, suggesting that this missense change does not adversely affect protein function. These predictions have not been confirmed by published functional studies and their clinical significance is uncertain. This sequence change replaces serine with leucine at codon 1870 of the ANK2 protein (p.Ser1870Leu). The serine residue is weakly conserved and there is a large physicochemical difference between serine and leucine. This variant is not present in population databases (ExAC no frequency). This variant has not been reported in the literature in individuals with ANK2-related conditions. ClinVar contains an entry for this variant (Variation ID: 222499). In summary, the available evidence is currently insufficient to determine the role of this variant in disease. Therefore, it has been classified as a Variant of Uncertain Significance.

Victorian Clinical Genetics Services, Murdoch Childrens Research Institute
Classification: Uncertain significance for Cardiac arrhythmia, ankyrin-B-related. Last evaluated: 2020-10-15. Review status: criteria provided, single submitter. Criteria: ACMG Guidelines, 2015. Collection method: clinical testing. Allele origin: germline. Inheritance: Autosomal dominant inheritance.
Comment: Based on the classification scheme VCGS_Germline_v1.3.3, this variant is classified as VUS-3C. Following criteria are met: 0102 - Loss of function is a known mechanism of disease for this gene (OMIM, PMID: 12571597, PMID: 15178757, PMID: 17242276). (I). 0107 - This gene is associated with autosomal dominant disease. (I) 0112 - Variants in this gene are known to have reduced penetrance (PMID: 26230511). However, very few variants have been reported to be disease-causing. (I) 0200 - Variant is predicted to result in a missense amino acid change from serine to leucine. (I) 0251 - This variant is heterozygous. (I) 0301 - Variant is absent from gnomAD (v2 and v3). (SP) 0503 - Missense variant consistently predicted to be tolerated by multiple in silico tools. Major amino acid change. Low conservation, with the same change observed in several mammals. (SB) 0604 - Variant is not located in an established domain, motif, hotspot or informative constraint region. (I) 0705 - No comparable missense variants have previous evidence for pathogenicity. (I) 0809 - Previous evidence of pathogenicity for this variant is inconclusive. Reported once in ClinVar as a VUS. (I) 0905 - No published segregation evidence has been identified for this variant. (I) 1007 - No published functional evidence has been identified for this variant. (I) 1208 - Inheritance information for this variant is not currently available in this individual. (I) Legend: (SP) - Supporting Pathogenic, (I) – Information, (SB) – Supporting Benign

Literature cited by the submitters: PubMed 12571597 (cited by Victorian Clinical Genetics Services, Murdoch Childrens Research Institute); PubMed 15178757 (cited by Victorian Clinical Genetics Services, Murdoch Childrens Research Institute); PubMed 17242276 (cited by Victorian Clinical Genetics Services, Murdoch Childrens Research Institute); PubMed 26230511 (cited by Victorian Clinical Genetics Services, Murdoch Childrens Research Institute).